The following is an entry in ClinVar:

ClinVar aggregate classification (germline): Likely benign. Review status: criteria provided, multiple submitters, no conflicts (2 of 4 stars). 2 submissions from 2 submitters: Likely benign (2). Last evaluated 2018-01-12.

Conditions:
Histidinemia. Also called: Deficiency of histidine ammonia-lyase; Hyperhistidinemia; HAL DEFICIENCY; HIS DEFICIENCY; HISTIDASE DEFICIENCY; HISTIDINE AMMONIA-LYASE DEFICIENCY. Identifiers: Orphanet 2157, MedGen C0220992, MONDO:0009345, OMIM 235800, HP:0010906.

Allele frequency attached by ClinVar (database versions not stated): gnomAD exomes 0.00305; ExAC 0.00355; gnomAD 0.01198 and 0.01294; ESP Exome Variant Server 0.01311; 1000 Genomes Project 0.01378; TOPMed 0.01381; 1000 Genomes Project 30x 0.01577.
gnomAD v4.1: 3,593 of 1,598,616 alleles (0.22%); highest among the groups gnomAD compares: African/African-American, 4.3%; 81 homozygotes.

Submissions (2):

Illumina Laboratory Services, Illumina
Classification: Likely benign for Histidinemia. Last evaluated: 2018-01-12. Review status: criteria provided, single submitter. Criteria: ICSL Variant Classification Criteria 13 December 2019. Collection method: clinical testing. Allele origin: germline.
Comment: This variant was observed in the ICSL laboratory as part of a predisposition screen in an ostensibly healthy population. It had not been previously curated by ICSL or reported in the Human Gene Mutation Database (HGMD: prior to June 1st, 2018), and was therefore a candidate for classification through an automated scoring system. Utilizing variant allele frequency, disease prevalence and penetrance estimates, and inheritance mode, an automated score was calculated to assess if this variant is too frequent to cause the disease. Based on the score and internal cut-off values, a variant classified as likely benign is not then subjected to further curation. The score for this variant resulted in a classification of likely benign for this disease.

Breakthrough Genomics
Classification: Likely benign. Review status: criteria provided, single submitter. Criteria: ACMG Guidelines, 2015. Collection method: not provided. Allele origin: germline. Inheritance: Autosomal recessive inheritance. Affected: yes.

NM_002108.4(HAL):c.-38C>T

Gene: HAL (histidine ammonia-lyase; minus strand). Cytogenetic location: 12q23.1.
Variant type: single nucleotide variant.
Coding change: c.-38C>T on transcript NM_002108.4 (MANE Select); 38 bases upstream of the start codon, C replaced by T.
Molecular consequence: 5 prime UTR variant.
Genome position (GRCh38, 1-based): chr12:95,995,948, G>A on the plus strand (C>T on the coding strand, the complement: HAL is on the minus strand). VCF-style: chr12-95995948-G-A. GRCh37 (hg19) VCF-style: chr12-96389726-G-A.
Other names: c.-595C>T (NM_001258333.2); c.-38C>T (NM_001258334.2).
Identifiers: ClinVar variation 883089 (VCV000883089.5), dbSNP rs116011640, ClinGen allele CA6728198.